The following is an entry in ClinVar:

NM_015693.4(INTU):c.1670G>T (p.Gly557Val)

Gene: INTU (inturned planar cell polarity protein; plus strand). Cytogenetic location: 4q28.1.
Variant type: single nucleotide variant.
Coding change: c.1670G>T on transcript NM_015693.4 (MANE Select); coding-DNA position 1670, G replaced by T.
Protein change: p.Gly557Val; replaces glycine 557 with valine.
Molecular consequence: missense variant.
Genome position (GRCh38, 1-based): chr4:127,705,694, G>T. VCF-style: chr4-127705694-G-T. GRCh37 (hg19) VCF-style: chr4-128626849-G-T.
Other names: short protein forms G557V.
Identifiers: ClinVar variation 4692250 (VCV004692250.1).

ClinVar aggregate classification (germline): Uncertain significance (1 of 4 stars; one submission).

gnomAD v4.1: 6 of 1,613,852 alleles (0.00037%); highest among the groups gnomAD compares: African/African-American, 0.008%; no homozygotes.

Submission:

Labcorp Genetics (formerly Invitae), Labcorp
Classification: Uncertain significance. Last evaluated: 2025-03-13. Review status: criteria provided, single submitter. Criteria: Invitae Variant Classification Sherloc (09022015). Collection method: clinical testing. Allele origin: germline.
Comment: This sequence change replaces glycine, which is neutral and non-polar, with valine, which is neutral and non-polar, at codon 557 of the INTU protein (p.Gly557Val). This variant is present in population databases (rs760429369, gnomAD 0.007%). This variant has not been reported in the literature in individuals affected with INTU-related conditions. Invitae Evidence Modeling of protein sequence and biophysical properties (such as structural, functional, and spatial information, amino acid conservation, physicochemical variation, residue mobility, and thermodynamic stability) indicates that this missense variant is expected to disrupt INTU protein function with a positive predictive value of 80%. In summary, the available evidence is currently insufficient to determine the role of this variant in disease. Therefore, it has been classified as a Variant of Uncertain Significance.